The following is an entry in ClinVar:

ClinVar aggregate classification (germline): Conflicting classifications of pathogenicity. Review status: criteria provided, conflicting classifications (1 of 4 stars). 5 submissions from 5 submitters: Uncertain significance (4); Likely benign (1). Last evaluated 2024-09-19.

Conditions:
Familial cancer of breast. Also called: BREAST CANCER, FAMILIAL; hereditary breast carcinoma; Hereditary breast cancer. Identifiers: Orphanet 227535, MedGen C0346153, MONDO:0016419, OMIM 114480. Disease mechanism: loss of function.
Fanconi anemia complementation group N. Also called: PALB2-Related Fanconi Anemia. Identifiers: Orphanet 84, MedGen C1835817, MONDO:0012565, OMIM 610832. Disease mechanism: loss of function.
Pancreatic cancer, susceptibility to, 3. Identifiers: Orphanet 1333, MedGen C3150547, MONDO:0013236, OMIM 613348.
Hereditary cancer-predisposing syndrome. Also called: Hereditary Cancer Syndrome; Neoplastic Syndromes, Hereditary; Tumor predisposition; Hereditary neoplastic syndrome. Identifiers: Orphanet 140162, MedGen C0027672, MeSH D009386, MONDO:0015356.
Breast-ovarian cancer, familial, susceptibility to, 5 (BROVCA5). Identifiers: MedGen C5830615, MONDO:0957530, OMIM 620442.

Allele frequency attached by ClinVar (database versions not stated): gnomAD exomes below 0.00001.
gnomAD v4.1: 1 of 1,614,128 alleles (0.000062%); highest among the groups gnomAD compares: Non-Finnish European, 0.000085%; no homozygotes.

Submissions (5):

Ambry Genetics
Classification: Likely benign for Hereditary cancer-predisposing syndrome. Last evaluated: 2024-09-19. Review status: criteria provided, single submitter. Criteria: Ambry Variant Classification Scheme 2023. Collection method: clinical testing. Allele origin: germline.

Color Diagnostics, LLC DBA Color Health
Classification: Uncertain significance for Hereditary cancer-predisposing syndrome. Last evaluated: 2023-12-05. Review status: criteria provided, single submitter. Criteria: ACMG Guidelines, 2015. Collection method: clinical testing. Allele origin: germline.
Comment: This missense variant replaces threonine with isoleucine at codon 666 of the PALB2 protein. Computational prediction suggests that this variant may not impact protein structure and function (internally defined REVEL score threshold <= 0.5, PMID: 27666373). To our knowledge, functional studies have not been reported for this variant. This variant has not been reported in individuals affected with PALB2-related disorders in the literature. This variant has not been identified in the general population by the Genome Aggregation Database (gnomAD). The available evidence is insufficient to determine the role of this variant in disease conclusively. Therefore, this variant is classified as a Variant of Uncertain Significance.

Fulgent Genetics
Classification: Uncertain significance for Familial cancer of breast; Fanconi anemia complementation group N; Pancreatic cancer, susceptibility to, 3. Last evaluated: 2022-01-03. Review status: criteria provided, single submitter. Criteria: ACMG Guidelines, 2015. Collection method: clinical testing. Allele origin: unknown.

Labcorp Genetics (formerly Invitae), Labcorp
Classification: Uncertain significance for Familial cancer of breast. Last evaluated: 2021-11-13. Review status: criteria provided, single submitter. Criteria: Invitae Variant Classification Sherloc (09022015). Collection method: clinical testing. Allele origin: germline.
Comment: ClinVar contains an entry for this variant (Variation ID: 631241). Algorithms developed to predict the effect of missense changes on protein structure and function output the following: SIFT: "Tolerated"; PolyPhen-2: "Benign"; Align-GVGD: "Class C0". The isoleucine amino acid residue is found in multiple mammalian species, which suggests that this missense change does not adversely affect protein function. In summary, the available evidence is currently insufficient to determine the role of this variant in disease. Therefore, it has been classified as a Variant of Uncertain Significance. This variant has not been reported in the literature in individuals affected with PALB2-related conditions. This variant is not present in population databases (gnomAD no frequency). This sequence change replaces threonine, which is neutral and polar, with isoleucine, which is neutral and non-polar, at codon 666 of the PALB2 protein (p.Thr666Ile).

Department of Pathology and Laboratory Medicine, Sinai Health System
Classification: Uncertain significance for Breast-ovarian cancer, familial, susceptibility to, 5. Last evaluated: 2021-11-09. Review status: criteria provided, single submitter. Criteria: ACMG Guidelines, 2015. Collection method: clinical testing. Allele origin: germline. Affected: yes.

NM_024675.4(PALB2):c.1997C>T (p.Thr666Ile)

Gene: PALB2 (partner and localizer of BRCA2; minus strand). Cytogenetic location: 16p12.2.
Variant type: single nucleotide variant.
Coding change: c.1997C>T on transcript NM_024675.4 (MANE Select); coding-DNA position 1997, C replaced by T.
Protein change: p.Thr666Ile; replaces threonine 666 with isoleucine.
Molecular consequence: missense variant.
Genome position (GRCh38, 1-based): chr16:23,630,157, G>A on the plus strand (C>T on the coding strand, the complement: PALB2 is on the minus strand). VCF-style: chr16-23630157-G-A. GRCh37 (hg19) VCF-style: chr16-23641478-G-A.
Other names: short protein forms T666I.
Identifiers: ClinVar variation 631241 (VCV000631241.15), dbSNP rs1567218311, ClinGen allele CA395127183.